The following is an entry in ClinVar:

ClinVar aggregate classification (germline): Benign/Likely benign. Review status: criteria provided, multiple submitters, no conflicts (2 of 4 stars). 4 submissions from 4 submitters: Benign (1); Likely benign (2). 1 of the submissions does not count toward it. Last evaluated 2025-02-16.

Conditions:
Succinyl-CoA acetoacetate transferase deficiency (SCOTD). Also called: Succinyl CoA:3-oxoacid CoA transferase deficiency; SCOT DEFICIENCY; SUCCINYL-CoA:3-KETOACID CoA-TRANSFERASE DEFICIENCY; KETOACIDOSIS DUE TO SCOT DEFICIENCY; 3-Oxoacid CoA Transferase Deficiency. Identifiers: Orphanet 832, MedGen C0342792, MONDO:0009492, OMIM 245050.

Allele frequency attached by ClinVar (database versions not stated): 1000 Genomes Project 0.00060; 1000 Genomes Project 30x 0.00062; gnomAD 0.00096 and 0.00103; TOPMed 0.00114; gnomAD exomes 0.00121.
gnomAD v4.1: 820 of 705,032 alleles (0.12%); highest among the groups gnomAD compares: Non-Finnish European, 0.16%; 1 homozygote.

Submissions (4):

Laboratory of Genetics, Children's Clinical University Hospital Latvia
Classification: Benign. Last evaluated: 2025-02-16. Review status: criteria provided, single submitter. Criteria: ACMG Guidelines, 2015. Collection method: clinical testing. Allele origin: germline. Affected: yes.

Women's Health and Genetics/Laboratory Corporation of America, LabCorp
Classification: Likely benign. Last evaluated: 2024-02-05. Review status: criteria provided, single submitter. Criteria: LabCorp Variant Classification Summary - May 2015. Collection method: clinical testing. Allele origin: germline.
Comment: Variant summary: OXCT1 c.1173-139G>T is located at a position not widely known to affect splicing. Consensus agreement among computation tools predict no significant impact on normal splicing. However, these predictions have yet to be confirmed by functional studies. The variant allele was found at a frequency of 0.0012 in 705032 control chromosomes in the gnomAD database, including 1 homozygote. The available data on variant occurrences in the general population are insufficient to allow any conclusion about variant significance, although the presence of a homozygote is not supportive of pathogenicity. c.1173-139G>T has been reported in the literature in at least one individual affected with a metabolic disorder, although no testing for succinyl-CoA:3-oxoacid CoA transferase/OXCT1 activity was conducted (e.g., Gedikbasi_2023). This report therefore does not provide unequivocal conclusions about association of the variant with Succinyl-CoA Acetoacetate Transferase Deficiency. To our knowledge, no experimental evidence demonstrating an impact on protein function has been reported. The following publication was ascertained in the context of this evaluation (PMID: 37377599). ClinVar contains an entry for this variant (Variation ID: 1064694). Based on the evidence outlined above, the variant was classified as likely benign.

CeGaT Center for Human Genetics Tuebingen
Classification: Likely benign. Last evaluated: 2023-11-01. Review status: criteria provided, single submitter. Criteria: CeGaT Center For Human Genetics Tuebingen Variant Classification Criteria Version 2. Collection method: clinical testing. Allele origin: germline. Affected: yes. Observed: 1 variant allele.
Comment: OXCT1: PP3, BS1

Istanbul Faculty of Medicine, Istanbul University
Classification: Pathogenic for Succinyl-CoA acetoacetate transferase deficiency. Last evaluated: 2020-12-25. Review status: no assertion criteria provided. Collection method: clinical testing. Allele origin: germline. Affected: yes. Observed: 1 variant allele. Not counted in ClinVar's aggregate classification.

Literature cited by the submitters: PubMed 37377599 (cited by Women's Health and Genetics/Laboratory Corporation of America, LabCorp and Istanbul Faculty of Medicine, Istanbul University).

NM_000436.4(OXCT1):c.1173-139G>T

Gene: OXCT1 (3-oxoacid CoA-transferase 1; minus strand). Cytogenetic location: 5p13.1.
Variant type: single nucleotide variant.
Coding change: c.1173-139G>T on transcript NM_000436.4 (MANE Select); 139 bases into the intron before coding-DNA position 1173, G replaced by T.
Molecular consequence: intron variant.
Genome position (GRCh38, 1-based): chr5:41,794,217, C>A on the plus strand (G>T on the coding strand, the complement: OXCT1 is on the minus strand). VCF-style: chr5-41794217-C-A. GRCh37 (hg19) VCF-style: chr5-41794319-C-A.
Other names: c.1167-139G>T (NM_001364301.2); c.1173-139G>T (NM_001364302.2); c.1194-139G>T (NM_001364299.2, NM_001364300.2); c.615-139G>T (NM_001364303.2).
Identifiers: ClinVar variation 1064694 (VCV001064694.28), dbSNP rs145673650, ClinGen allele CA117844744.